The following is an entry in ClinVar:

ClinVar aggregate classification (germline): Benign (1 of 4 stars; one submission).

Submission:

ISCA site 4
Classification: Benign. Last evaluated: 2011-08-12. Review status: criteria provided, single submitter. Criteria: Kaminsky et al. (Genet Med. 2011). Collection method: clinical testing. Allele origin: unknown. Affected: yes. Observed: 1 variant allele.
Comment: Copy number variation identified through the course of routine clinical cytogenomic testing in postnatal populations. Clinical assertions have been curated as described in Kaminsky et al. 2011.

NCBI36/hg18 4q13.2(chr4:69085386-69688461)x1

Variant type: copy number loss.
Identifiers: ClinVar variation 193029 (VCV000193029.1).